The following is an entry in ClinVar:

NM_000388.4(CASR):c.2986A>C (p.Asn996His)

Gene: CASR (calcium sensing receptor; plus strand). Cytogenetic location: 3q21.1.
Variant type: single nucleotide variant.
Coding change: c.2986A>C on transcript NM_000388.4 (MANE Select); coding-DNA position 2986, A replaced by C.
Protein change: p.Asn996His; replaces asparagine 996 with histidine.
Molecular consequence: missense variant.
Genome position (GRCh38, 1-based): chr3:122,284,940, A>C. VCF-style: chr3-122284940-A-C. GRCh37 (hg19) VCF-style: chr3-122003787-A-C.
Other names: c.3016A>C, p.Asn1006His (NM_001178065.2); short protein forms N1006H, N996H.
Identifiers: ClinVar variation 1008901 (VCV001008901.9), dbSNP rs2074950435, ClinGen allele CA354161206.

ClinVar aggregate classification (germline): Uncertain significance (1 of 4 stars; one submission).

Conditions:
Autosomal dominant hypocalcemia 1 (HYPOC1). Also called: HYPOCALCEMIA, FAMILIAL. Identifiers: MedGen C3715128, MONDO:0011013, OMIM 601198.
Familial hypocalciuric hypercalcemia (FHH). Also called: Familial benign hypercalcemia. Identifiers: Orphanet 405, MedGen C1809471, MONDO:0018458.

Submission:

Labcorp Genetics (formerly Invitae), Labcorp
Classification: Uncertain significance for Familial hypocalciuric hypercalcemia; Autosomal dominant hypocalcemia 1. Last evaluated: 2020-06-16. Review status: criteria provided, single submitter. Criteria: Invitae Variant Classification Sherloc (09022015). Collection method: clinical testing. Allele origin: germline.
Comment: This variant has not been reported in the literature in individuals with CASR-related conditions. This variant is not present in population databases (ExAC no frequency). This sequence change replaces asparagine with histidine at codon 996 of the CASR protein (p.Asn996His). The asparagine residue is moderately conserved and there is a small physicochemical difference between asparagine and histidine. Algorithms developed to predict the effect of missense changes on protein structure and function output the following: SIFT: "Tolerated"; PolyPhen-2: "Benign"; Align-GVGD: "Class C0". The histidine amino acid residue is found in multiple mammalian species, suggesting that this missense change does not adversely affect protein function. These predictions have not been confirmed by published functional studies and their clinical significance is uncertain. In summary, the available evidence is currently insufficient to determine the role of this variant in disease. Therefore, it has been classified as a Variant of Uncertain Significance.